The following is an entry in ClinVar:

NM_017934.7(PHIP):c.369T>C (p.Ser123=)

Gene: PHIP (PHIP subunit of CUL4-Ring ligase complex; minus strand). Cytogenetic location: 6q14.1.
Variant type: single nucleotide variant.
Coding change: c.369T>C on transcript NM_017934.7 (MANE Select); coding-DNA position 369, T replaced by C.
Protein change: p.Ser123=; no amino-acid change (serine 123 retained).
Molecular consequence: synonymous variant.
Genome position (GRCh38, 1-based): chr6:79,060,548, A>G on the plus strand (T>C on the coding strand, the complement: PHIP is on the minus strand). VCF-style: chr6-79060548-A-G. GRCh37 (hg19) VCF-style: chr6-79770265-A-G.
Identifiers: ClinVar variation 3357206 (VCV003357206.1).

ClinVar aggregate classification (germline): Likely benign (0 of 4 stars; one submission).

Conditions:
PHIP-related disorder. Also called: PHIP-related condition; PHIP-related disorders.

gnomAD v4.1: 2 of 1,613,784 alleles (0.00012%); highest among the groups gnomAD compares: Non-Finnish European, 0.00017%; no homozygotes.

Submission:

PreventionGenetics, part of Exact Sciences
Classification: Likely benign for PHIP-related condition. Last evaluated: 2021-06-16. Review status: no assertion criteria provided. Collection method: clinical testing. Allele origin: germline.
Comment: This variant is classified as likely benign based on ACMG/AMP sequence variant interpretation guidelines (Richards et al. 2015 PMID: 25741868, with internal and published modifications).